The following is an entry in ClinVar:

ClinVar aggregate classification (germline): Uncertain significance (1 of 4 stars; one submission).

Allele frequency attached by ClinVar (database versions not stated): gnomAD exomes below 0.00001; gnomAD 0.00002; TOPMed 0.00002.
gnomAD v4.1: 9 of 1,614,014 alleles (0.00056%); highest among the groups gnomAD compares: East Asian, 0.0067%; no homozygotes.

Submission:

Labcorp Genetics (formerly Invitae), Labcorp
Classification: Uncertain significance. Last evaluated: 2022-06-24. Review status: criteria provided, single submitter. Criteria: Invitae Variant Classification Sherloc (09022015). Collection method: clinical testing. Allele origin: germline.
Comment: In summary, the available evidence is currently insufficient to determine the role of this variant in disease. Therefore, it has been classified as a Variant of Uncertain Significance. Algorithms developed to predict the effect of missense changes on protein structure and function (SIFT, PolyPhen-2, Align-GVGD) all suggest that this variant is likely to be tolerated. This variant has not been reported in the literature in individuals affected with TUBGCP6-related conditions. This variant is present in population databases (no rsID available, gnomAD 0.006%). This sequence change replaces alanine, which is neutral and non-polar, with threonine, which is neutral and polar, at codon 735 of the TUBGCP6 protein (p.Ala735Thr).

NM_020461.4(TUBGCP6):c.2203G>A (p.Ala735Thr)

Gene: TUBGCP6 (tubulin gamma complex component 6; minus strand). Cytogenetic location: 22q13.33.
Variant type: single nucleotide variant.
Coding change: c.2203G>A on transcript NM_020461.4 (MANE Select); coding-DNA position 2203, G replaced by A.
Protein change: p.Ala735Thr; replaces alanine 735 with threonine.
Molecular consequence: missense variant.
Genome position (GRCh38, 1-based): chr22:50,224,208, C>T on the plus strand (G>A on the coding strand, the complement: TUBGCP6 is on the minus strand). VCF-style: chr22-50224208-C-T. GRCh37 (hg19) VCF-style: chr22-50662637-C-T.
Other names: short protein forms A735T.
Identifiers: ClinVar variation 1936992 (VCV001936992.5), dbSNP rs1240211128, ClinGen allele CA412102314.